The following is an entry in ClinVar:

ClinVar aggregate classification (germline): Uncertain significance. Review status: criteria provided, multiple submitters, no conflicts (2 of 4 stars). 2 submissions from 2 submitters: Uncertain significance (2). Last evaluated 2024-04-30.

Conditions:
T-cell immunodeficiency, congenital alopecia, and nail dystrophy. Also called: Congenital alopecia and nail dystrophy associated with severe functional T-cell immunodeficiency; Pignata Guarino syndrome. Identifiers: Orphanet 169095, MedGen C1866426, MONDO:0011132, OMIM 601705.
Inborn genetic diseases. Identifiers: MedGen C0950123, MeSH D030342.

Allele frequency attached by ClinVar (database versions not stated): gnomAD exomes 0.00005; ExAC 0.00006; TOPMed 0.00010.
gnomAD v4.1: 67 of 1,612,348 alleles (0.0042%); highest among the groups gnomAD compares: Middle Eastern, 0.016%; no homozygotes.

Submissions (2):

Ambry Genetics
Classification: Uncertain significance for Inborn genetic diseases. Last evaluated: 2024-04-30. Review status: criteria provided, single submitter. Criteria: Ambry Variant Classification Scheme 2023. Collection method: clinical testing. Allele origin: germline.

Labcorp Genetics (formerly Invitae), Labcorp
Classification: Uncertain significance for T-cell immunodeficiency, congenital alopecia, and nail dystrophy. Last evaluated: 2024-03-06. Review status: criteria provided, single submitter. Criteria: Invitae Variant Classification Sherloc (09022015). Collection method: clinical testing. Allele origin: germline.
Comment: This sequence change replaces threonine, which is neutral and polar, with methionine, which is neutral and non-polar, at codon 626 of the FOXN1 protein (p.Thr626Met). This variant is present in population databases (rs760621039, gnomAD 0.03%). This variant has not been reported in the literature in individuals affected with FOXN1-related conditions. ClinVar contains an entry for this variant (Variation ID: 1054594). Advanced modeling of protein sequence and biophysical properties (such as structural, functional, and spatial information, amino acid conservation, physicochemical variation, residue mobility, and thermodynamic stability) performed at Invitae indicates that this missense variant is not expected to disrupt FOXN1 protein function with a negative predictive value of 80%. In summary, the available evidence is currently insufficient to determine the role of this variant in disease. Therefore, it has been classified as a Variant of Uncertain Significance.

NM_001369369.1(FOXN1):c.1877C>T (p.Thr626Met)

Gene: FOXN1 (forkhead box N1; plus strand). Cytogenetic location: 17q11.2.
Variant type: single nucleotide variant.
Coding change: c.1877C>T on transcript NM_001369369.1 (MANE Select); coding-DNA position 1877, C replaced by T.
Protein change: p.Thr626Met; replaces threonine 626 with methionine.
Molecular consequence: missense variant.
Genome position (GRCh38, 1-based): chr17:28,537,366, C>T. VCF-style: chr17-28537366-C-T. GRCh37 (hg19) VCF-style: chr17-26864384-C-T.
Other names: c.1877C>T, p.Thr626Met (NM_003593.3); c.1877C>T (NM_003593.2); short protein forms T626M.
Identifiers: ClinVar variation 1054594 (VCV001054594.5), dbSNP rs760621039, ClinGen allele CA8459648.